The following is an entry in ClinVar:

NM_005334.3(HCFC1):c.2592C>T (p.Ala864=)

Gene: HCFC1 (host cell factor C1; minus strand). Cytogenetic location: Xq28.
Variant type: single nucleotide variant.
Coding change: c.2592C>T on transcript NM_005334.3 (MANE Select); coding-DNA position 2592, C replaced by T.
Protein change: p.Ala864=; no amino-acid change (alanine 864 retained).
Molecular consequence: synonymous variant.
Genome position (GRCh38, 1-based): chrX:153,956,668, G>A on the plus strand (C>T on the coding strand, the complement: HCFC1 is on the minus strand). VCF-style: chrX-153956668-G-A. GRCh37 (hg19) VCF-style: chrX-153222119-G-A.
Identifiers: ClinVar variation 512091 (VCV000512091.34), dbSNP rs782757775, ClinGen allele CA10557306.

ClinVar aggregate classification (germline): Benign/Likely benign. Review status: criteria provided, multiple submitters, no conflicts (2 of 4 stars). 3 submissions from 3 submitters: Benign (1); Likely benign (2). Last evaluated 2024-01-17.

Conditions:
Methylmalonic acidemia with homocystinuria, type cblX (MAHCX). Also called: INTELLECTUAL DEVELOPMENTAL DISORDER, X-LINKED 3. Identifiers: Orphanet 369962, MedGen C0796208, MONDO:0010657, OMIM 309541.

Allele frequency attached by ClinVar (database versions not stated): gnomAD below 0.00001 and 0.00011; TOPMed below 0.00001; gnomAD exomes 0.00008 and 0.00018; 1000 Genomes Project 30x 0.00021; ExAC 0.00021; 1000 Genomes Project 0.00026.
gnomAD v4.1: 99 of 1,210,237 alleles (0.0082%); highest among the groups gnomAD compares: South Asian, 0.17%; 1 homozygote.

Submissions (3):

Labcorp Genetics (formerly Invitae), Labcorp
Classification: Benign for Methylmalonic acidemia with homocystinuria, type cblX. Last evaluated: 2024-01-17. Review status: criteria provided, single submitter. Criteria: Invitae Variant Classification Sherloc (09022015). Collection method: clinical testing. Allele origin: germline.

CeGaT Center for Human Genetics Tuebingen
Classification: Likely benign. Last evaluated: 2023-04-01. Review status: criteria provided, single submitter. Criteria: CeGaT Center For Human Genetics Tuebingen Variant Classification Criteria Version 2. Collection method: clinical testing. Allele origin: germline. Affected: yes. Observed: 1 variant allele.
Comment: HCFC1: BP4, BP7, BS2

GeneDx
Classification: Likely benign. Last evaluated: 2017-10-03. Review status: criteria provided, single submitter. Criteria: GeneDx Variant Classification (06012015). Collection method: clinical testing. Allele origin: germline. Affected: yes.
Comment: This variant is considered likely benign or benign based on one or more of the following criteria: it is a conservative change, it occurs at a poorly conserved position in the protein, it is predicted to be benign by multiple in silico algorithms, and/or has population frequency not consistent with disease.